The following is an entry in ClinVar:

NM_000152.5(GAA):c.1075+5G>A

Gene: GAA (alpha glucosidase; plus strand). Cytogenetic location: 17q25.3.
Variant type: single nucleotide variant.
Coding change: c.1075+5G>A on transcript NM_000152.5 (MANE Select); 5 bases into the intron after coding-DNA position 1075, G replaced by A.
Molecular consequence: intron variant.
Genome position (GRCh38, 1-based): chr17:80,108,414, G>A. VCF-style: chr17-80108414-G-A. GRCh37 (hg19) VCF-style: chr17-78082213-G-A.
Other names: c.1075+5G>A (NM_001079803.3, NM_001079804.3).
Identifiers: ClinVar variation 2415237 (VCV002415237.7), dbSNP rs2510362791, ClinGen allele CA2580095313.

ClinVar aggregate classification (germline): Uncertain significance (1 of 4 stars; one submission).

Conditions:
Glycogen storage disease, type II (IOPD). Also called: POMPE DISEASE, INFANTILE-ONSET; GLYCOGEN STORAGE DISEASE II, INFANTILE-ONSET; ACID ALPHA-GLUCOSIDASE DEFICIENCY, INFANTILE-ONSET; GAA DEFICIENCY, INFANTILE-ONSET; ACID MALTASE DEFICIENCY, INFANTILE-ONSET; GLYCOGENOSIS, GENERALIZED, CARDIAC FORM. Identifiers: Orphanet 365, MedGen C0017921, MONDO:0009290, OMIM 232300.

Submission:

Labcorp Genetics (formerly Invitae), Labcorp
Classification: Uncertain significance for Glycogen storage disease, type II. Last evaluated: 2022-04-26. Review status: criteria provided, single submitter. Criteria: Invitae Variant Classification Sherloc (09022015). Collection method: clinical testing. Allele origin: germline.
Comment: In summary, the available evidence is currently insufficient to determine the role of this variant in disease. Therefore, it has been classified as a Variant of Uncertain Significance. Variants that disrupt the consensus splice site are a relatively common cause of aberrant splicing (PMID: 17576681, 9536098). Algorithms developed to predict the effect of sequence changes on RNA splicing suggest that this variant may disrupt the consensus splice site. This variant has not been reported in the literature in individuals affected with GAA-related conditions. This variant is not present in population databases (gnomAD no frequency). This sequence change falls in intron 6 of the GAA gene. It does not directly change the encoded amino acid sequence of the GAA protein. It affects a nucleotide within the consensus splice site.

Literature cited by the submitters: PubMed 17576681; PubMed 9536098.